The following is an entry in ClinVar:

NM_001370466.1(NOD2):c.325_326del (p.His110fs)

Gene: NOD2 (nucleotide binding oligomerization domain containing 2; plus strand). Cytogenetic location: 16q12.1.
Variant type: Microsatellite.
Coding change: c.325_326del on transcript NM_001370466.1 (MANE Select); coding-DNA positions 325 to 326, 2 bases deleted (AG; older notation c.325_326delAG).
Protein change: p.His110fs; shifts the reading frame from histidine 110.
Molecular consequence: frameshift variant. On other transcripts: non-coding transcript variant (1).
Genome position (GRCh38, 1-based): chr16:50,699,820-50,699,821, AG deleted; deleting any 2 consecutive bases within chr16:50,699,818-50,699,821 gives the same sequence; the c. name uses the placement nearest the transcript's 3' end. VCF-style (leftmost placement, unchanged base first): chr16-50699817-CAG-C. GRCh37 (hg19) VCF-style: chr16-50733728-CAG-C.
Other names: c.325_326del, p.His110fs (NM_001293557.2); c.406_407del, p.His137fs (NM_022162.3); short protein forms H137fs, H110fs.
Identifiers: ClinVar variation 580170 (VCV000580170.7), dbSNP rs1567381106, ClinGen allele CA622654258.

ClinVar aggregate classification (germline): Uncertain significance (1 of 4 stars; one submission).

Conditions:
Blau syndrome (BLAUS). Also called: ARTHROCUTANEOUVEAL GRANULOMATOSIS; GRANULOMATOSIS, FAMILIAL JUVENILE SYSTEMIC; GRANULOMATOSIS, FAMILIAL, BLAU TYPE; GRANULOMATOUS INFLAMMATORY ARTHRITIS, DERMATITIS, AND UVEITIS, FAMILIAL; JABS SYNDROME. Identifiers: Orphanet 90340, MedGen C5201146, MONDO:0008523, OMIM 186580.
Regional enteritis. Also called: Enteritis, Granulomatous. Identifiers: MedGen C0678202, MeSH D003424.

Submission:

Labcorp Genetics (formerly Invitae), Labcorp
Classification: Uncertain significance for Regional enteritis; Blau syndrome. Last evaluated: 2018-04-27. Review status: criteria provided, single submitter. Criteria: Invitae Variant Classification Sherloc (09022015). Collection method: clinical testing. Allele origin: germline.
Comment: This sequence change creates a premature translational stop signal (p.His137Profs*29) in the NOD2 gene. It is expected to result in an absent or disrupted protein product. This variant is not present in population databases (ExAC no frequency). This variant has not been reported in the literature in individuals with NOD2-related disease. The current clinical and genetic evidence is not sufficient to establish whether loss-of-function variants in NOD2 cause disease. In summary, the available evidence is currently insufficient to determine the role of this variant in disease. Therefore, it has been classified as a Variant of Uncertain Significance.